The following is an entry in ClinVar:

ClinVar aggregate classification (germline): Uncertain significance (1 of 4 stars; one submission).

gnomAD v4.1: 4 of 1,210,359 alleles (0.00033%); highest among the groups gnomAD compares: Non-Finnish European, 0.00045%; no homozygotes.

Submission:

GeneDx
Classification: Uncertain significance. Last evaluated: 2025-01-14. Review status: criteria provided, single submitter. Criteria: GeneDx Variant Classification Process June 2021. Collection method: clinical testing. Allele origin: germline. Affected: yes.
Comment: Not observed at significant frequency in large population cohorts (gnomAD); In silico analysis supports that this missense variant does not alter protein structure/function; Has not been previously published as pathogenic or benign to our knowledge

NM_001379451.1(BCORL1):c.3692G>A (p.Ser1231Asn)

Gene: BCORL1 (BCL6 corepressor like 1; plus strand). Cytogenetic location: Xq26.1.
Variant type: single nucleotide variant.
Coding change: c.3692G>A on transcript NM_001379451.1 (MANE Select); coding-DNA position 3692, G replaced by A.
Protein change: p.Ser1231Asn; replaces serine 1231 with asparagine.
Molecular consequence: missense variant.
Genome position (GRCh38, 1-based): chrX:130,024,993, G>A. VCF-style: chrX-130024993-G-A. GRCh37 (hg19) VCF-style: chrX-129158968-G-A.
Other names: c.3692G>A, p.Ser1231Asn (NM_001184772.3, NM_001379450.1, NM_021946.5); short protein forms S1231N.
Identifiers: ClinVar variation 3371332 (VCV003371332.2).